The following is an entry in ClinVar:

ClinVar aggregate classification (germline): Pathogenic (1 of 4 stars; one submission).

Conditions:
Hereditary nonpolyposis colorectal neoplasms. Identifiers: MedGen C0009405, MeSH D003123.

Submission:

Labcorp Genetics (formerly Invitae), Labcorp
Classification: Pathogenic for Hereditary nonpolyposis colorectal neoplasms. Last evaluated: 2025-10-07. Review status: criteria provided, single submitter. Criteria: Invitae Variant Classification Sherloc (09022015). Collection method: clinical testing. Allele origin: germline.
Comment: This sequence change creates a premature translational stop signal (p.Cys1275*) in the MSH6 gene. It is expected to result in an absent or disrupted protein product. Loss-of-function variants in MSH6 are known to be pathogenic (PMID: 18269114, 24362816). This variant is not present in population databases (gnomAD no frequency). This variant has not been reported in the literature in individuals affected with MSH6-related conditions. ClinVar contains an entry for this variant (Variation ID: 663098). For these reasons, this variant has been classified as Pathogenic.

Literature cited by the submitters: PubMed 18269114; PubMed 24362816.

NM_000179.3(MSH6):c.3808_3824dup (p.Cys1275Ter)

Gene: MSH6 (mutS homolog 6; plus strand). Cytogenetic location: 2p16.3.
Variant type: Duplication.
Coding change: c.3808_3824dup on transcript NM_000179.3 (MANE Select); coding-DNA positions 3808 to 3824, 17 bases duplicated (ATGGTAGAAAATGAATG).
Protein change: p.Cys1275Ter; replaces cysteine 1275 with a stop codon.
Molecular consequence: nonsense.
Genome position (GRCh38, 1-based): chr2:47,806,458-47,806,474, ATGGTAGAAAATGAATG duplicated. VCF-style (leftmost placement, unchanged base first): chr2-47806457-C-CATGGTAGAAAATGAATG. GRCh37 (hg19) VCF-style: chr2-48033596-C-CATGGTAGAAAATGAATG.
Other names: c.3418_3434dup, p.Cys1145Ter (NM_001281492.2); c.2902_2918dup, p.Cys973Ter (NM_001281493.2, NM_001281494.2); short protein forms C1275*, C973*, C1145*.
Identifiers: ClinVar variation 663098 (VCV000663098.7), dbSNP rs1558393006, ClinGen allele CA915943975.